The following is an entry in ClinVar:

NM_004415.4(DSP):c.5837C>T (p.Pro1946Leu)

Gene: DSP (desmoplakin; plus strand). Cytogenetic location: 6p24.3.
Variant type: single nucleotide variant.
Coding change: c.5837C>T on transcript NM_004415.4 (MANE Select); coding-DNA position 5837, C replaced by T.
Protein change: p.Pro1946Leu; replaces proline 1946 with leucine.
Molecular consequence: missense variant.
Genome position (GRCh38, 1-based): chr6:7,583,099, C>T. VCF-style: chr6-7583099-C-T. GRCh37 (hg19) VCF-style: chr6-7583332-C-T.
Other names: c.4040C>T, p.Pro1347Leu (NM_001008844.3); c.4508C>T, p.Pro1503Leu (NM_001319034.2); short protein forms P1347L, P1503L, P1946L.
Identifiers: ClinVar variation 3071540 (VCV003071540.1), dbSNP rs2533937846, ClinGen allele CA362689520.

ClinVar aggregate classification (germline): Uncertain significance (1 of 4 stars; one submission).

Conditions:
Arrhythmogenic cardiomyopathy with wooly hair and keratoderma. Also called: PALMOPLANTAR KERATODERMA WITH LEFT VENTRICULAR CARDIOMYOPATHY AND WOOLLY HAIR; Carvajal syndrome; Dilated cardiomyopathy with woolly hair and keratoderma; Arrhythmogenic cardiomyopathy with woolly hair and keratoderma. Identifiers: Orphanet 65282, MedGen C1854063, MONDO:0011581, OMIM 605676.

Allele frequency attached by ClinVar (database versions not stated): gnomAD exomes below 0.00001.
gnomAD v4.1: 1 of 1,614,074 alleles (0.000062%); highest among the groups gnomAD compares: Non-Finnish European, 0.000085%; no homozygotes.

Submission:

All of Us Research Program, National Institutes of Health
Classification: Uncertain significance for Arrhythmogenic cardiomyopathy with wooly hair and keratoderma. Last evaluated: 2023-06-08. Review status: criteria provided, single submitter. Criteria: ACMG Guidelines, 2015. Collection method: clinical testing. Allele origin: germline. Inheritance: Autosomal dominant inheritance. Observed: 1 variant allele, 1 heterozygote.
Comment: This missense variant replaces proline with leucine at codon 1946 of the DSP protein. Computational prediction suggests that this variant may not impact protein structure and function (internally defined REVEL score threshold <= 0.5, PMID: 27666373). To our knowledge, functional studies have not been reported for this variant. This variant has not been reported in individuals affected with DSP-related disorders in the literature. This variant has not been identified in the general population by the Genome Aggregation Database (gnomAD). The available evidence is insufficient to determine the role of this variant in disease conclusively. Therefore, this variant is classified as a Variant of Uncertain Significance.

This study involves interpretation of variants in research participants for the purpose of population health screening. Participant phenotype was not available at the time of variant classification. Additional details can be found in publication PMID: 35346344, PMCID: PMC8962531